The following is an entry in ClinVar:

NM_002439.5(MSH3):c.2648del (p.Asp883fs)

Gene: MSH3 (mutS homolog 3; plus strand). Cytogenetic location: 5q14.1.
Variant type: Deletion.
Coding change: c.2648del on transcript NM_002439.5 (MANE Select); coding-DNA position 2648, one base deleted (A; older notation c.2648delA).
Protein change: p.Asp883fs; shifts the reading frame from aspartic acid 883.
Molecular consequence: frameshift variant.
Genome position (GRCh38, 1-based): chr5:80,792,837, A deleted. VCF-style (leftmost placement, unchanged base first): chr5-80792836-GA-G. GRCh37 (hg19) VCF-style: chr5-80088655-GA-G.
Other names: short protein forms D883fs.
Identifiers: ClinVar variation 941207 (VCV000941207.8), dbSNP rs1580053760, ClinGen allele CA917512825.

ClinVar aggregate classification (germline): Pathogenic. Review status: criteria provided, multiple submitters, no conflicts (2 of 4 stars). 2 submissions from 2 submitters: Pathogenic (2). Last evaluated 2025-03-27.

Conditions:
Familial adenomatous polyposis 4 (FAP4). Also called: MSH3-related attenuated familial adenomatous polyposis. Identifiers: Orphanet 480536, MedGen C4310719, MONDO:0044300, OMIM 617100.

Allele frequency attached by ClinVar (database versions not stated): TOPMed below 0.00001.

Submissions (2):

Labcorp Genetics (formerly Invitae), Labcorp
Classification: Pathogenic. Last evaluated: 2025-03-27. Review status: criteria provided, single submitter. Criteria: Invitae Variant Classification Sherloc (09022015). Collection method: clinical testing. Allele origin: germline.
Comment: This sequence change creates a premature translational stop signal (p.Asp883Valfs*9) in the MSH3 gene. It is expected to result in an absent or disrupted protein product. Loss-of-function variants in MSH3 are known to be pathogenic (PMID: 27476653, 37402566). This variant is not present in population databases (gnomAD no frequency). This variant has not been reported in the literature in individuals affected with MSH3-related conditions. ClinVar contains an entry for this variant (Variation ID: 941207). For these reasons, this variant has been classified as Pathogenic.

Myriad Genetics, Inc.
Classification: Pathogenic for Familial adenomatous polyposis 4. Last evaluated: 2023-08-31. Review status: criteria provided, single submitter. Criteria: Myriad Autosomal Dominant, Autosomal Recessive and X-Linked Classification Criteria (2023). Collection method: clinical testing. Allele origin: unknown.
Comment: This variant is considered pathogenic. This variant creates a frameshift predicted to result in premature protein truncation.

Literature cited by the submitters: PubMed 27476653 (cited by Labcorp Genetics (formerly Invitae), Labcorp); PubMed 37402566 (cited by Labcorp Genetics (formerly Invitae), Labcorp).